The following is an entry in ClinVar:

NM_001127222.2(CACNA1A):c.6149G>T (p.Gly2050Val)

Gene: CACNA1A (calcium voltage-gated channel subunit alpha1 A; minus strand). Cytogenetic location: 19p13.13.
Variant type: single nucleotide variant.
Coding change: c.6149G>T on transcript NM_001127222.2 (MANE Select); coding-DNA position 6149, G replaced by T.
Protein change: p.Gly2050Val; replaces glycine 2050 with valine.
Molecular consequence: missense variant.
Genome position (GRCh38, 1-based): chr19:13,212,424, C>A on the plus strand (G>T on the coding strand, the complement: CACNA1A is on the minus strand). VCF-style: chr19-13212424-C-A. GRCh37 (hg19) VCF-style: chr19-13323238-C-A.
Other names: c.6167G>T, p.Gly2056Val (NM_000068.4, NM_023035.3); c.6152G>T, p.Gly2051Val (NM_001127221.2); c.6158G>T, p.Gly2053Val (NM_001174080.2); short protein forms G2050V, G2056V, G2051V, G2053V.
Identifiers: ClinVar variation 863317 (VCV000863317.10), dbSNP rs2054848687, ClinGen allele CA404332790.

ClinVar aggregate classification (germline): Uncertain significance (1 of 4 stars; one submission).

Conditions:
Developmental and epileptic encephalopathy, 42 (DEE42A). Also called: DEVELOPMENTAL AND EPILEPTIC ENCEPHALOPATHY 42A; EPILEPTIC ENCEPHALOPATHY, EARLY INFANTILE, 42A; Epileptic encephalopathy, early infantile, 42. Identifiers: MedGen C4310716, MONDO:0014917, OMIM 617106.
Episodic ataxia type 2 (EA2). Also called: ACETAZOLAMIDE-RESPONSIVE HEREDITARY PAROXYSMAL CEREBELLAR ATAXIA; ATAXIA, EPISODIC, WITH NYSTAGMUS; ATAXIA, FAMILIAL PAROXYSMAL; CEREBELLAR ATAXIA, PAROXYSMAL, ACETAZOLAMIDE-RESPONSIVE; CEREBELLOPATHY, HEREDITARY PAROXYSMAL; EPISODIC ATAXIA, NYSTAGMUS-ASSOCIATED. Identifiers: Orphanet 97, MedGen C1720416, MONDO:0007163, OMIM 108500.

Allele frequency attached by ClinVar (database versions not stated): gnomAD exomes below 0.00001.
gnomAD v4.1: 1 of 1,613,162 alleles (0.000062%); highest among the groups gnomAD compares: Non-Finnish European, 0.000085%; no homozygotes.

Submission:

Labcorp Genetics (formerly Invitae), Labcorp
Classification: Uncertain significance for Developmental and epileptic encephalopathy, 42; Episodic ataxia type 2. Last evaluated: 2019-12-24. Review status: criteria provided, single submitter. Criteria: Invitae Variant Classification Sherloc (09022015). Collection method: clinical testing. Allele origin: germline.
Comment: Algorithms developed to predict the effect of missense changes on protein structure and function (SIFT, PolyPhen-2, Align-GVGD) all suggest that this variant is likely to be tolerated, but these predictions have not been confirmed by published functional studies and their clinical significance is uncertain. In summary, the available evidence is currently insufficient to determine the role of this variant in disease. Therefore, it has been classified as a Variant of Uncertain Significance. This variant has not been reported in the literature in individuals with CACNA1A-related conditions. This variant is not present in population databases (ExAC no frequency). This sequence change replaces glycine with valine at codon 2051 of the CACNA1A protein (p.Gly2051Val). The glycine residue is weakly conserved and there is a moderate physicochemical difference between glycine and valine.